The following is an entry in ClinVar:

ClinVar aggregate classification (germline): Likely pathogenic (1 of 4 stars; one submission).

Conditions:
Spermatogenic Failure. Identifiers: MedGen C3553794, MONDO:0004983.

Submission:

Conrad Lab, Oregon Health and Science University
Classification: Likely pathogenic for Spermatogenic Failure. Last evaluated: 2026-09-29. Review status: criteria provided, single submitter. Criteria: ACMG Guidelines, 2015. Collection method: research. Allele origin: germline. Affected: yes. Observed: 1 variant allele. Study: GEMINI.
Comment: The manuscript reports PCR confirmation of two overlapping deletions at this locus and approximately sixfold enrichment of the locus-level deletions in cases compared with gnomAD. Testis expression and published infertility associations of genes in the broader rearrangement region provide additional support for the submitted Likely pathogenic interpretation. The evidence is locus-level and does not establish identical breakpoints for the two cases. The submitted exome interval represents minimum bounds; PCR junction coordinates are not supplied.

Single allele

Genes: MIR4767 (microRNA 4767; plus strand), PUDP (pseudouridine 5'-phosphatase; minus strand), STS (steroid sulfatase; plus strand), LOC113875037 (Sharpr-MPRA regulatory region 5189; plus strand), LOC130067909 (ATAC-STARR-seq lymphoblastoid active region 29382; plus strand) and 9 more. Cytogenetic location: Xp22.31.
Variant type: Deletion.
Identifiers: ClinVar variation 5021153 (VCV005021153.1).